The following is an entry in ClinVar:

NM_002693.3(POLG):c.3644-72C>A

Genes: POLG (DNA polymerase gamma, catalytic subunit; minus strand), FANCI (FA complementation group I; plus strand). Cytogenetic location: 15q26.1.
Variant type: single nucleotide variant.
Coding change: c.3644-72C>A on transcript NM_002693.3 (MANE Select); 72 bases into the intron before coding-DNA position 3644, C replaced by A.
Molecular consequence: intron variant. On other transcripts: 3 prime UTR variant (4).
Genome position (GRCh38, 1-based): chr15:89,316,899, G>T on the plus strand (C>A on the coding strand, the complement: POLG is on the minus strand). VCF-style: chr15-89316899-G-T. GRCh37 (hg19) VCF-style: chr15-89860130-G-T.
Other names: c.*440G>T (NM_001113378.2, NM_001376910.1, NM_001376911.1 and 1 more transcripts); c.3644-72C>A (NM_001126131.2).
Identifiers: ClinVar variation 317313 (VCV000317313.6), dbSNP rs1801377, ClinGen allele CA10642662.

ClinVar aggregate classification (germline): Conflicting classifications of pathogenicity. Review status: criteria provided, conflicting classifications (1 of 4 stars). 2 submissions from 1 submitter: Uncertain significance (1); Likely benign (1). Last evaluated 2018-01-13.

Conditions:
Fanconi anemia complementation group I (FANCI). Also called: FANCI-Related Fanconi Anemia. Identifiers: Orphanet 84, MedGen C1836861, MONDO:0012186, OMIM 609053.
POLG-related disorder. Also called: POLG-Related Spectrum Disorders; POLG-related condition; POLG-Related Disorders. Identifiers: MedGen C4763519.

Allele frequency attached by ClinVar (database versions not stated): TOPMed 0.00283; gnomAD 0.00312 and 0.00354; 1000 Genomes Project 30x 0.00406; 1000 Genomes Project 0.00419; gnomAD exomes 0.00517.
gnomAD v4.1: 5,344 of 1,087,382 alleles (0.49%); highest among the groups gnomAD compares: South Asian, 1.7%; 44 homozygotes.

Submissions (2):

Illumina Laboratory Services, Illumina
Classification: Uncertain significance for POLG-Related Spectrum Disorders. Last evaluated: 2018-01-13. Review status: criteria provided, single submitter. Criteria: ICSL Variant Classification Criteria 13 December 2019. Collection method: clinical testing. Allele origin: germline.

Illumina Laboratory Services, Illumina
Classification: Likely benign for Fanconi anemia complementation group I. Last evaluated: 2018-01-12. Review status: criteria provided, single submitter. Criteria: ICSL Variant Classification Criteria 13 December 2019. Collection method: clinical testing. Allele origin: germline.
Comment: This variant was observed in the ICSL laboratory as part of a predisposition screen in an ostensibly healthy population. It had not been previously curated by ICSL or reported in the Human Gene Mutation Database (HGMD: prior to June 1st, 2018), and was therefore a candidate for classification through an automated scoring system. Utilizing variant allele frequency, disease prevalence and penetrance estimates, and inheritance mode, an automated score was calculated to assess if this variant is too frequent to cause the disease. Based on the score and internal cut-off values, a variant classified as likely benign is not then subjected to further curation. The score for this variant resulted in a classification of likely benign for this disease.